The following is an entry in ClinVar:

ClinVar aggregate classification (germline): Likely pathogenic. Review status: criteria provided, multiple submitters, no conflicts (2 of 4 stars). 2 submissions from 2 submitters: Likely pathogenic (2). Last evaluated 2025-07-25.

Conditions:
Holocarboxylase synthetase deficiency. Also called: MULTIPLE CARBOXYLASE DEFICIENCY, EARLY ONSET. Identifiers: Orphanet 79242, MedGen C0268581, MONDO:0009666, OMIM 253270.

Submissions (2):

Natera, Inc.
Classification: Likely pathogenic for Holocarboxylase synthetase deficiency. Last evaluated: 2025-07-25. Review status: criteria provided, single submitter. Criteria: Natera Variant Classification Schema (03/2026). Collection method: clinical testing. Allele origin: germline.
Comment: The c.721G>T variant in HLCS is a missense variant predicted to cause substitution of glycine to tryptophan at amino acid 241. This variant is rare in the general population with a frequency below the threshold expected for the associated phenotype(s). This variant has been observed in one or more individuals affected with the associated recessive disease, as either homozygous or compound heterozygous with a second variant (PMID: 25690727). Additionally, this variant has been observed to segregate in affected family members (PMID: 25690727). This variant has been identified in one or more affected individuals with a phenotype highly consistent with the associated gene (PMID: 25690727). Computational prediction algorithms indicate this variant is likely to affect gene or protein function. Given the available evidence, this variant is classified as Likely Pathogenic.

Fulgent Genetics
Classification: Likely pathogenic for Holocarboxylase synthetase deficiency. Last evaluated: 2024-04-11. Review status: criteria provided, single submitter. Criteria: ACMG Guidelines, 2015. Collection method: clinical testing. Allele origin: germline.

Literature cited by the submitters: PubMed 25690727 (cited by Natera, Inc.).

NM_001352514.2(HLCS):c.1162G>T (p.Gly388Trp)

Gene: HLCS (holocarboxylase synthetase; minus strand). Cytogenetic location: 21q22.13.
Variant type: single nucleotide variant.
Coding change: c.1162G>T on transcript NM_001352514.2 (MANE Select); coding-DNA position 1162, G replaced by T.
Protein change: p.Gly388Trp; replaces glycine 388 with tryptophan.
Molecular consequence: missense variant. On other transcripts: non-coding transcript variant (2).
Genome position (GRCh38, 1-based): chr21:36,936,724, C>A on the plus strand (G>T on the coding strand, the complement: HLCS is on the minus strand). VCF-style: chr21-36936724-C-A. GRCh37 (hg19) VCF-style: chr21-38309024-C-A.
Other names: c.721G>T, p.Gly241Trp (NM_000411.8, NM_001242784.3, NM_001242785.2 and 4 more transcripts); c.721G>T (NM_000411.7); short protein forms G241W, G388W.
Identifiers: ClinVar variation 3587678 (VCV003587678.2).